The following is an entry in ClinVar:

NM_198947.4(FAM111B):c.40G>T (p.Ala14Ser)

Gene: FAM111B (FAM111 trypsin like peptidase B; plus strand). Cytogenetic location: 11q12.1.
Variant type: single nucleotide variant.
Coding change: c.40G>T on transcript NM_198947.4 (MANE Select); coding-DNA position 40, G replaced by T.
Protein change: p.Ala14Ser; replaces alanine 14 with serine.
Molecular consequence: missense variant. On other transcripts: intron variant (2).
Genome position (GRCh38, 1-based): chr11:59,109,665, G>T. VCF-style: chr11-59109665-G-T. GRCh37 (hg19) VCF-style: chr11-58877138-G-T.
Other names: p.Ala14Ser; c.-10+953G>T (NM_001142703.2); c.-10+2369G>T (NM_001142704.2); short protein forms A14S.
Identifiers: ClinVar variation 2683150 (VCV002683150.2), dbSNP rs144133192, ClinGen allele CA223171219.

ClinVar aggregate classification (germline): Uncertain significance. Review status: criteria provided, multiple submitters, no conflicts (2 of 4 stars). 2 submissions from 2 submitters: Uncertain significance (2). Last evaluated 2024-03-30.

Conditions:
Inborn genetic diseases. Identifiers: MedGen C0950123, MeSH D030342.

gnomAD v4.1: 69 of 1,612,036 alleles (0.0043%); highest among the groups gnomAD compares: Non-Finnish European, 0.0057%; no homozygotes.

Submissions (2):

Ambry Genetics
Classification: Uncertain significance for Inborn genetic diseases. Last evaluated: 2024-03-30. Review status: criteria provided, single submitter. Criteria: Ambry Variant Classification Scheme 2023. Collection method: clinical testing. Allele origin: germline.

Mayo Clinic Laboratories, Mayo Clinic
Classification: Uncertain significance. Last evaluated: 2022-05-17. Review status: criteria provided, single submitter. Criteria: ACMG Guidelines, 2015. Collection method: clinical testing. Allele origin: germline. Observed: 1 variant allele.
Comment: BP4